The following is an entry in ClinVar:

NM_002470.4(MYH3):c.2555C>T (p.Thr852Ile)

Gene: MYH3 (myosin heavy chain 3; minus strand). Cytogenetic location: 17p13.1.
Variant type: single nucleotide variant.
Coding change: c.2555C>T on transcript NM_002470.4 (MANE Select); coding-DNA position 2555, C replaced by T.
Protein change: p.Thr852Ile; replaces threonine 852 with isoleucine.
Molecular consequence: missense variant.
Genome position (GRCh38, 1-based): chr17:10,640,123, G>A on the plus strand (C>T on the coding strand, the complement: MYH3 is on the minus strand). VCF-style: chr17-10640123-G-A. GRCh37 (hg19) VCF-style: chr17-10543440-G-A.
Other names: short protein forms T852I.
Identifiers: ClinVar variation 2465485 (VCV002465485.6), dbSNP rs763698464, ClinGen allele CA8392742.

ClinVar aggregate classification (germline): Uncertain significance. Review status: criteria provided, multiple submitters, no conflicts (2 of 4 stars). 2 submissions from 2 submitters: Uncertain significance (2). Last evaluated 2025-09-25.

Conditions:
Inborn genetic diseases. Identifiers: MedGen C0950123, MeSH D030342.

Allele frequency attached by ClinVar (database versions not stated): ExAC 0.00002; TOPMed 0.00002; gnomAD 0.00003; gnomAD exomes 0.00003.
gnomAD v4.1: 42 of 1,613,970 alleles (0.0026%); highest among the groups gnomAD compares: Non-Finnish European, 0.0036%; no homozygotes.

Submissions (2):

Ambry Genetics
Classification: Uncertain significance for Inborn genetic diseases. Last evaluated: 2025-09-25. Review status: criteria provided, single submitter. Criteria: Ambry Variant Classification Scheme 2023. Collection method: clinical testing. Allele origin: germline.

Labcorp Genetics (formerly Invitae), Labcorp
Classification: Uncertain significance. Last evaluated: 2024-05-17. Review status: criteria provided, single submitter. Criteria: Invitae Variant Classification Sherloc (09022015). Collection method: clinical testing. Allele origin: germline.
Comment: This sequence change replaces threonine, which is neutral and polar, with isoleucine, which is neutral and non-polar, at codon 852 of the MYH3 protein (p.Thr852Ile). This variant is present in population databases (rs763698464, gnomAD 0.004%). This variant has not been reported in the literature in individuals affected with MYH3-related conditions. ClinVar contains an entry for this variant (Variation ID: 2465485). Advanced modeling of protein sequence and biophysical properties (such as structural, functional, and spatial information, amino acid conservation, physicochemical variation, residue mobility, and thermodynamic stability) performed at Invitae indicates that this missense variant is not expected to disrupt MYH3 protein function with a negative predictive value of 95%. In summary, the available evidence is currently insufficient to determine the role of this variant in disease. Therefore, it has been classified as a Variant of Uncertain Significance.